The following is an entry in ClinVar:

NM_000787.4(DBH):c.1088G>A (p.Gly363Glu)

Gene: DBH (dopamine beta-hydroxylase; plus strand). Cytogenetic location: 9q34.2.
Variant type: single nucleotide variant.
Coding change: c.1088G>A on transcript NM_000787.4 (MANE Select); coding-DNA position 1088, G replaced by A.
Protein change: p.Gly363Glu; replaces glycine 363 with glutamic acid.
Molecular consequence: missense variant.
Genome position (GRCh38, 1-based): chr9:133,647,909, G>A. VCF-style: chr9-133647909-G-A. GRCh37 (hg19) VCF-style: chr9-136513031-G-A.
Other names: short protein forms G363E.
Identifiers: ClinVar variation 4979603 (VCV004979603.1).

ClinVar aggregate classification (germline): Likely benign (1 of 4 stars; one submission).

Conditions:
DBH-related disorder. Also called: DBH-related condition.

Submission:

PreventionGenetics, part of Exact Sciences
Classification: Likely benign for DBH-related condition. Last evaluated: 2025-06-09. Review status: criteria provided, single submitter. Criteria: ACMG Guidelines, 2015. Collection method: clinical testing. Allele origin: germline.
Comment: This variant is classified as likely benign based on ACMG/AMP sequence variant interpretation guidelines (Richards et al. 2015 PMID: 25741868, with internal and published modifications).